The following is an entry in ClinVar:

GRCh37/hg19 4p16.3-16.1(chr4:68345-8731855)x1

Genes: ABLIM2 (actin binding LIM protein family member 2; minus strand), ACOX3 (acyl-CoA oxidase 3, pristanoyl; minus strand), ADD1 (adducin 1; plus strand), ADRA2C (adrenoceptor alpha 2C; plus strand), AFAP1 (actin filament associated protein 1; minus strand) and 87 more. Cytogenetic location: 4p16.3-16.1.
Variant type: copy number loss.
Change: copy number 1 (one copy instead of two) of chr4:68,345-8,731,855 (8.66 Mb, GRCh37 coordinates, 1-based), cytogenetic band 4p16.3-16.1.
Identifiers: ClinVar variation 814522 (VCV000814522.1).

ClinVar aggregate classification (germline): Pathogenic (1 of 4 stars; one submission).

Submission:

Quest Diagnostics Nichols Institute San Juan Capistrano
Classification: Pathogenic. Last evaluated: 2024-02-17. Review status: criteria provided, single submitter. Criteria: ACMG/ClinGen CNV Guidelines, 2019. Collection method: clinical testing. Allele origin: unknown.
Comment: This terminal deletion of 4p overlaps the Wolf-Hirschhorn syndromic region (ISCA-37429; OMIM 194190; Battaglia 2015, Paradowska-Stolarz 2014). Thus, this CNV is classified as pathogenic. References: Battaglia et al., Am J Med Genet C Semin Med Genet. 2015 Sep;169(3):216-23. PMID: 26239400; Paradowska-Stolarz, Adv Clin Exp Med. 2014 May-Jun;23(3):485-9. PMID: 24979523